The following is an entry in ClinVar:

NM_001283009.2(RTEL1):c.3082_3086del (p.His1028fs)

Genes: RTEL1-TNFRSF6B (RTEL1-TNFRSF6B readthrough (NMD candidate); plus strand), RTEL1 (regulator of telomere elongation helicase 1; plus strand). Cytogenetic location: 20q13.33.
Variant type: Deletion.
Coding change: c.3082_3086del on transcript NM_001283009.2 (MANE Select); coding-DNA positions 3082 to 3086, 5 bases deleted (CACCT; older notation c.3082_3086delCACCT).
Protein change: p.His1028fs; shifts the reading frame from histidine 1028.
Molecular consequence: frameshift variant. On other transcripts: non-coding transcript variant (1).
Genome position (GRCh38, 1-based): chr20:63,694,461-63,694,465, CACCT deleted. VCF-style (leftmost placement, unchanged base first): chr20-63694460-CCACCT-C. GRCh37 (hg19) VCF-style: chr20-62325813-CCACCT-C.
Other names: c.2413_2417del, p.His805fs (NM_001283010.1); c.3082_3086del, p.His1028fs (NM_016434.4); c.3154_3158del, p.His1052fs (NM_032957.5); short protein forms H1028fs, H1052fs, H805fs.
Identifiers: ClinVar variation 4816353 (VCV004816353.1).

ClinVar aggregate classification (germline): Likely pathogenic (1 of 4 stars; one submission).

Conditions:
Dyskeratosis congenita. Identifiers: Orphanet 1775, MedGen C0265965, MONDO:0015780.

Submission:

Natera, Inc.
Classification: Likely pathogenic for Dyskeratosis congenita. Last evaluated: 2024-10-01. Review status: criteria provided, single submitter. Criteria: Natera Variant Classification Schema (03/2026). Collection method: clinical testing. Allele origin: germline.
Comment: The c.3154_3158del variant in RTEL1 is a frameshift variant predicted to shift the reading frame beginning at codon 1052 and leads to a stop codon 37 codons downstream. This variant is expected to result in nonsense mediated decay, truncation, or a dysfunctional protein product. This variant is rare in the general population with a frequency below the threshold expected for the associated phenotype(s). Given the available evidence, this variant is classified as Likely Pathogenic.